The following is an entry in ClinVar:

ClinVar aggregate classification (germline): Uncertain significance (1 of 4 stars; one submission).

Submission:

GeneDx
Classification: Uncertain significance. Last evaluated: 2025-04-10. Review status: criteria provided, single submitter. Criteria: GeneDx Variant Classification Process June 2021. Collection method: clinical testing. Allele origin: germline. Affected: yes.
Comment: Not observed at significant frequency in large population cohorts (gnomAD); In silico analysis supports that this missense variant has a deleterious effect on protein structure/function; Has not been previously published as pathogenic or benign to our knowledge; Also known as p.(G3365R)

NM_000384.3(APOB):c.10174G>A (p.Gly3392Arg)

Gene: APOB (apolipoprotein B; minus strand). Cytogenetic location: 2p24.1.
Variant type: single nucleotide variant.
Coding change: c.10174G>A on transcript NM_000384.3 (MANE Select); coding-DNA position 10174, G replaced by A.
Protein change: p.Gly3392Arg; replaces glycine 3392 with arginine.
Molecular consequence: missense variant.
Genome position (GRCh38, 1-based): chr2:21,006,694, C>T on the plus strand (G>A on the coding strand, the complement: APOB is on the minus strand). VCF-style: chr2-21006694-C-T. GRCh37 (hg19) VCF-style: chr2-21229566-C-T.
Other names: short protein forms G3392R.
Identifiers: ClinVar variation 4281927 (VCV004281927.1).